The following is an entry in ClinVar:

ClinVar aggregate classification (germline): Likely pathogenic (1 of 4 stars; one submission).

Conditions:
Severe myoclonic epilepsy in infancy (DRVT). Also called: Dravet syndrome; SEVERE MYOCLONIC EPILEPSY OF INFANCY; DEVELOPMENTAL AND EPILEPTIC ENCEPHALOPATHY 6A; Severe Myoclonic Epilepsy in Infancy (SMEI); Epileptic encephalopathy, early infantile, 6 (Dravet syndrome). Identifiers: Orphanet 33069, MedGen C0751122, MONDO:0100135, OMIM 607208.

Submission:

Institute of Human Genetics, University of Leipzig Medical Center
Classification: Likely pathogenic for Severe myoclonic epilepsy in infancy. Last evaluated: 2023-05-17. Review status: criteria provided, single submitter. Criteria: ACMG Guidelines, 2015. Collection method: clinical testing. Allele origin: unknown. Inheritance: Autosomal dominant inheritance. Affected: yes.
Comment: Criteria applied: PVS1,PM2_SUP

NM_001165963.4(SCN1A):c.3961_3962del (p.Leu1321fs)

Genes: SCN1A (sodium voltage-gated channel alpha subunit 1; minus strand), LOC102724058 (uncharacterized LOC102724058; plus strand). Cytogenetic location: 2q24.3.
Variant type: Microsatellite.
Coding change: c.3961_3962del on transcript NM_001165963.4 (MANE Select); coding-DNA positions 3961 to 3962, 2 bases deleted (CT; older notation c.3961_3962delCT).
Protein change: p.Leu1321fs; shifts the reading frame from leucine 1321.
Molecular consequence: frameshift variant. On other transcripts: non-coding transcript variant (1).
Genome position (GRCh38, 1-based): chr2:166,009,759-166,009,760, AG deleted on the plus strand (CT on the coding strand, the reverse complement: SCN1A is on the minus strand); deleting any 2 consecutive bases within chr2:166,009,759-166,009,762 gives the same sequence; the c. name uses the placement nearest the transcript's 3' end. VCF-style (leftmost placement, unchanged base first): chr2-166009758-CAG-C. GRCh37 (hg19) VCF-style: chr2-166866268-CAG-C.
Other names: c.3877_3878del, p.Leu1293fs (NM_001165964.3, NM_001353957.2, NM_001353958.2); c.3961_3962del, p.Leu1321fs (NM_001202435.3, NM_001353948.2); c.3928_3929del, p.Leu1310fs (NM_001353949.2, NM_001353950.2, NM_001353951.2 and 2 more transcripts); c.3925_3926del, p.Leu1309fs (NM_001353954.2, NM_001353955.2); c.3874_3875del, p.Leu1292fs (NM_001353960.2); c.1519_1520del, p.Leu507fs (NM_001353961.2); short protein forms L1292fs, L1293fs, L1309fs, L1310fs, L1321fs, L507fs.
Identifiers: ClinVar variation 2576599 (VCV002576599.2), dbSNP rs2468493548, ClinGen allele CA2580614385.